The following is an entry in ClinVar:

NM_001130965.3(SUN1):c.613C>T (p.Pro205Ser)

Gene: SUN1 (Sad1 and UNC84 domain containing 1; plus strand). Cytogenetic location: 7p22.3.
Variant type: single nucleotide variant.
Coding change: c.613C>T on transcript NM_001130965.3 (MANE Select); coding-DNA position 613, C replaced by T.
Protein change: p.Pro205Ser; replaces proline 205 with serine.
Molecular consequence: missense variant. On other transcripts: synonymous variant (1), 5 prime UTR variant (1), non-coding transcript variant (3), intron variant (1).
Genome position (GRCh38, 1-based): chr7:843,475, C>T. VCF-style: chr7-843475-C-T. GRCh37 (hg19) VCF-style: chr7-883112-C-T.
Other names: c.613C>T (NM_001130965.2); c.676C>T, p.Pro226Ser (NM_001171945.2); c.613C>T, p.Pro205Ser (NM_001171946.2, NM_001367633.1, NM_001367634.1 and 32 more transcripts); c.156C>T, p.Pro52= (NM_001367635.1); c.463C>T, p.Pro155Ser (NM_001367636.1, NM_001367644.1, NM_001367645.1 and 23 more transcripts); c.46C>T, p.Pro16Ser (NM_001367639.1, NM_001367708.1); c.832C>T, p.Pro278Ser (NM_001367651.1); c.-149C>T (NM_001367658.1); and 3 more; short protein forms P142S, P155S, P16S, P205S, P214S, P226S, P278S.
Identifiers: ClinVar variation 1001351 (VCV001001351.10), dbSNP rs912561766, ClinGen allele CA152403530.

ClinVar aggregate classification (germline): Uncertain significance. Review status: criteria provided, multiple submitters, no conflicts (2 of 4 stars). 2 submissions from 2 submitters: Uncertain significance (2). Last evaluated 2025-08-19.

Conditions:
Emery-Dreifuss muscular dystrophy (EDMD). Also called: Scapuloperoneal syndrome, X-linked (formerly); Humeroperoneal neuromuscular disease, (formerly). Identifiers: Orphanet 261, MedGen C0410189, MONDO:0016830.

Allele frequency attached by ClinVar (database versions not stated): gnomAD exomes below 0.00001; TOPMed 0.00001.
gnomAD v4.1: 1 of 1,614,082 alleles (0.000062%); highest among the groups gnomAD compares: Admixed American, 0.0017%; no homozygotes.

Submissions (2):

Ambry Genetics
Classification: Uncertain significance. Last evaluated: 2025-08-19. Review status: criteria provided, single submitter. Criteria: Ambry Variant Classification Scheme 2023. Collection method: clinical testing. Allele origin: germline.

Labcorp Genetics (formerly Invitae), Labcorp
Classification: Uncertain significance for Emery-Dreifuss muscular dystrophy. Last evaluated: 2023-10-25. Review status: criteria provided, single submitter. Criteria: Invitae Variant Classification Sherloc (09022015). Collection method: clinical testing. Allele origin: germline.
Comment: This sequence change replaces proline, which is neutral and non-polar, with serine, which is neutral and polar, at codon 205 of the SUN1 protein (p.Pro205Ser). This variant is present in population databases (no rsID available, gnomAD 0.003%). This variant has not been reported in the literature in individuals affected with SUN1-related conditions. ClinVar contains an entry for this variant (Variation ID: 1001351). An algorithm developed to predict the effect of missense changes on protein structure and function (PolyPhen-2) suggests that this variant is likely to be tolerated. In summary, the available evidence is currently insufficient to determine the role of this variant in disease. Therefore, it has been classified as a Variant of Uncertain Significance.